The following is an entry in ClinVar:

ClinVar aggregate classification (germline): Benign. Review status: criteria provided, multiple submitters, no conflicts (2 of 4 stars). 12 submissions from 10 submitters: Benign (10). 2 of the submissions do not count toward it. Last evaluated 2026-02-04.

Conditions:
Retinal dystrophy. Also called: Inherited retinal dystrophy. Identifiers: Orphanet 71862, MedGen C0854723, MeSH D058499, MONDO:0019118, HP:0000556.
Leber congenital amaurosis 15 (LCA15). Identifiers: Orphanet 65, MedGen C3151206, MONDO:0013457, OMIM 613843.
Retinitis pigmentosa 14 (RP14). Also called: RETINITIS PIGMENTOSA, JUVENILE, TULP1-RELATED. Identifiers: Orphanet 791, MedGen C1838603, MONDO:0010827, OMIM 600132.
Retinitis pigmentosa (RP). Identifiers: Orphanet 791, MedGen C0035334, MeSH D012174, MONDO:0019200, OMIM 268000. Inheritance: Autosomal dominant, autosomal recessive and X linked inheritance.

Allele frequency attached by ClinVar (database versions not stated): 1000 Genomes Project 0.87440; 1000 Genomes Project 30x 0.87758; gnomAD 0.88303 and 0.88862; TOPMed 0.89567; ESP Exome Variant Server 0.89984.
gnomAD v4.1: 1,328,612 of 1,557,490 alleles (85%); highest among the groups gnomAD compares: African/African-American, 98%; 568,033 homozygotes.

Submissions (12):

Labcorp Genetics (formerly Invitae), Labcorp
Classification: Benign. Last evaluated: 2026-02-04. Review status: criteria provided, single submitter. Criteria: Invitae Variant Classification Sherloc (09022015). Collection method: clinical testing. Allele origin: germline.

Blueprint Genetics
Classification: Benign. Last evaluated: 2024-11-27. Review status: criteria provided, single submitter. Criteria: ACMG Guidelines, 2015. Collection method: clinical testing. Allele origin: germline.

ARUP Laboratories, Molecular Genetics and Genomics, ARUP Laboratories
Classification: Benign. Last evaluated: 2023-11-29. Review status: criteria provided, single submitter. Criteria: ARUP Molecular Germline Variant Investigation Process 2024. Collection method: clinical testing. Allele origin: germline.

Dept Of Ophthalmology, Nagoya University
Classification: Benign for Retinal dystrophy. Last evaluated: 2023-10-01. Review status: criteria provided, single submitter. Criteria: Submitter's publication. Collection method: research. Allele origin: germline. Affected: yes.

Genome-Nilou Lab
Classification: Benign for Leber congenital amaurosis 15. Last evaluated: 2021-12-05. Review status: criteria provided, single submitter. Criteria: ACMG Guidelines, 2015. Collection method: clinical testing. Allele origin: germline. Affected: no.

Genome-Nilou Lab
Classification: Benign for Retinitis pigmentosa 14. Last evaluated: 2021-12-05. Review status: criteria provided, single submitter. Criteria: ACMG Guidelines, 2015. Collection method: clinical testing. Allele origin: germline. Affected: no.

Illumina Laboratory Services, Illumina
Classification: Benign for Leber congenital amaurosis 15. Last evaluated: 2018-01-13. Review status: criteria provided, single submitter. Criteria: ICSL Variant Classification Criteria 13 December 2019. Collection method: clinical testing. Allele origin: germline.
Comment: This variant was observed in the ICSL laboratory as part of a predisposition screen in an ostensibly healthy population. It had not been previously curated by ICSL or reported in the Human Gene Mutation Database (HGMD: prior to June 1st, 2018), and was therefore a candidate for classification through an automated scoring system. Utilizing variant allele frequency, disease prevalence and penetrance estimates, and inheritance mode, an automated score was calculated to assess if this variant is too frequent to cause the disease. Based on the score and internal cut-off values, a variant classified as benign is not then subjected to further curation. The score for this variant resulted in a classification of benign for this disease.

Illumina Laboratory Services, Illumina
Classification: Benign for Retinitis pigmentosa. Last evaluated: 2018-01-13. Review status: criteria provided, single submitter. Criteria: ICSL Variant Classification Criteria 13 December 2019. Collection method: clinical testing. Allele origin: germline.
Comment: the same text as in the submission from Illumina Laboratory Services, Illumina above.

Eurofins Ntd Llc (ga)
Classification: Benign. Last evaluated: 2016-04-01. Review status: criteria provided, single submitter. Criteria: EGL Classification Definitions 2015. Collection method: clinical testing. Allele origin: germline. Observed: 4 variant alleles, 1 heterozygote, 3 homozygotes.

GeneDx
Classification: Benign. Last evaluated: 2015-03-03. Review status: criteria provided, single submitter. Criteria: GeneDx Variant Classification Process June 2021. Collection method: clinical testing. Allele origin: germline. Affected: yes.

Diagnostic Laboratory, Department of Genetics, University Medical Center Groningen
Classification: Benign. Review status: no assertion criteria provided. Collection method: clinical testing. Allele origin: germline. Affected: yes. Study: VKGL Data-share Consensus. Not counted in ClinVar's aggregate classification.

Joint Genome Diagnostic Labs from Nijmegen and Maastricht, Radboudumc and MUMC+
Classification: Benign. Review status: no assertion criteria provided. Collection method: clinical testing. Allele origin: germline. Affected: yes. Study: VKGL Data-share Consensus. Not counted in ClinVar's aggregate classification.

NM_003322.6(TULP1):c.200C>G (p.Thr67Arg)

Gene: TULP1 (TUB like protein 1; minus strand). Cytogenetic location: 6p21.31.
Variant type: single nucleotide variant.
Coding change: c.200C>G on transcript NM_003322.6 (MANE Select); coding-DNA position 200, C replaced by G.
Protein change: p.Thr67Arg; replaces threonine 67 with arginine.
Molecular consequence: missense variant. On other transcripts: intron variant (1).
Genome position (GRCh38, 1-based): chr6:35,511,797, G>C on the plus strand (C>G on the coding strand, the complement: TULP1 is on the minus strand). VCF-style: chr6-35511797-G-C. GRCh37 (hg19) VCF-style: chr6-35479574-G-C.
Other names: c.190+383C>G (NM_001289395.2); short protein forms T67R.
Identifiers: ClinVar variation 286865 (VCV000286865.39), dbSNP rs7764472, ClinGen allele CA3772990.
Genomic context (GRCh38, chr6:35,511,797, plus strand): 5'-ACCGTCTGCGGCGCCCGGGCCTGGGCTGGGTCTGGGGAAGGCTCCTCCCGCGGCCTCCCC[G>C]TCCGCCCAGCTGAGCCGAGATGCGGGGTTCAGACAGGGTCCCATCCGCGGGTCCGCGAGG-3'
Protein context (NP_003313.3, residues 57-77): SKPRKPGAGR[Thr67Arg]GRPREEPSPD